The following is an entry in ClinVar:

ClinVar aggregate classification (germline): Pathogenic/Likely pathogenic. Review status: criteria provided, multiple submitters, no conflicts (2 of 4 stars). 4 submissions from 4 submitters: Pathogenic (3); Likely pathogenic (1). Last evaluated 2024-05-28.

Conditions:
CPLANE1-related disorders.
Orofaciodigital syndrome type 6 (OFD6). Also called: Central polydactyly cleft lip/palate or lingual lump and psychomotor retardation; Y-shaped central metacarpal and cerebellar defect; Joubert syndrome with orofacialdigital anomalies; OROFACIODIGITAL SYNDROME VI; OFDS VI; POLYDACTYLY, CLEFT LIP/PALATE OR LINGUAL LUMP, AND PSYCHOMOTOR RETARDATION. Identifiers: Orphanet 2754, MedGen C2745997, MONDO:0010176, OMIM 277170.
Joubert syndrome 17 (JBTS17). Identifiers: Orphanet 475, MedGen C3553264, MONDO:0013824, OMIM 614615.

Submissions (4):

Blueprint Genetics
Classification: Likely pathogenic for CPLANE1-related disorders. Last evaluated: 2024-05-28. Review status: criteria provided, single submitter. Criteria: ACMG Guidelines, 2015. Collection method: clinical testing. Allele origin: germline. Affected: yes. Observed: 1 variant allele.

Fulgent Genetics
Classification: Pathogenic for Orofaciodigital syndrome type 6; Joubert syndrome 17. Last evaluated: 2021-12-03. Review status: criteria provided, single submitter. Criteria: ACMG Guidelines, 2015. Collection method: clinical testing. Allele origin: unknown.

Labcorp Genetics (formerly Invitae), Labcorp
Classification: Pathogenic. Last evaluated: 2019-11-27. Review status: criteria provided, single submitter. Criteria: Invitae Variant Classification Sherloc (09022015). Collection method: clinical testing. Allele origin: germline.
Comment: This variant has been observed in an individual within a cohort of individuals who have clinical findings of Joubert syndrome or have a sibling with Joubert syndrome (PMID: 26092869). ClinVar contains an entry for this variant (Variation ID: 217578). This variant is not present in population databases (ExAC no frequency). This sequence change creates a premature translational stop signal (p.Leu171Serfs*11) in the CPLANE1 gene. It is expected to result in an absent or disrupted protein product. For these reasons, this variant has been classified as Pathogenic. Loss-of-function variants in CPLANE1 are known to be pathogenic (PMID: 22425360, 24178751).

UW Hindbrain Malformation Research Program, University of Washington
Classification: Pathogenic for Joubert syndrome 17. Last evaluated: 2015-02-23. Review status: criteria provided, single submitter. Criteria: Bachmann-Gagescu et al. (J Med Genet. 2015). Collection method: research. Allele origin: unknown. Affected: yes.

Literature cited by the submitters: PubMed 26092869 (cited by Labcorp Genetics (formerly Invitae), Labcorp); PubMed 22425360 (cited by Labcorp Genetics (formerly Invitae), Labcorp); PubMed 24178751 (cited by Labcorp Genetics (formerly Invitae), Labcorp).

NM_001384732.1(CPLANE1):c.510del (p.Leu171fs)

Gene: CPLANE1 (ciliogenesis and planar polarity effector complex subunit 1; minus strand). Cytogenetic location: 5p13.2.
Variant type: Deletion.
Coding change: c.510del on transcript NM_001384732.1 (MANE Select); coding-DNA position 510, one base deleted (T; older notation c.510delT).
Protein change: p.Leu171fs; shifts the reading frame from leucine 171.
Molecular consequence: frameshift variant.
Genome position (GRCh38, 1-based): chr5:37,244,435, A deleted on the plus strand (T on the coding strand, the reverse complement: CPLANE1 is on the minus strand); the first of 2 consecutive A bases (chr5:37,244,435-37,244,436); deleting either gives the same sequence. VCF-style (leftmost placement, unchanged base first): chr5-37244434-GA-G. GRCh37 (hg19) VCF-style: chr5-37244536-GA-G.
Other names: c.510del, p.Leu171fs (NM_023073.4); c.510delT (NM_023073.3); short protein forms L171fs.
Identifiers: ClinVar variation 217578 (VCV000217578.12), dbSNP rs779680371, ClinGen allele CA277699.
Genomic context (GRCh38, chr5:37,244,434, plus strand): 5'-CCTCATTTTTTATAAAAACAGCATTCACTACAGCTTCTTTATCTTCGGTGGAAGGCAAGA[GA>G]ACTGCTTCTTCAGGTATGACCTGGGACCACCGACCCGCCAATGAAAGGCTTTTAGAAGAT-3'